The following is an entry in ClinVar:

NM_000388.4(CASR):c.3070G>T (p.Asp1024Tyr)

Gene: CASR (calcium sensing receptor; plus strand). Cytogenetic location: 3q21.1.
Variant type: single nucleotide variant.
Coding change: c.3070G>T on transcript NM_000388.4 (MANE Select); coding-DNA position 3070, G replaced by T.
Protein change: p.Asp1024Tyr; replaces aspartic acid 1024 with tyrosine.
Molecular consequence: missense variant.
Genome position (GRCh38, 1-based): chr3:122,285,024, G>T. VCF-style: chr3-122285024-G-T. GRCh37 (hg19) VCF-style: chr3-122003871-G-T.
Other names: c.3100G>T, p.Asp1034Tyr (NM_001178065.2); short protein forms D1034Y, D1024Y.
Identifiers: ClinVar variation 1487611 (VCV001487611.8), dbSNP rs2107651875, ClinGen allele CA354161374.

ClinVar aggregate classification (germline): Uncertain significance (1 of 4 stars; one submission).

Conditions:
Familial hypocalciuric hypercalcemia (FHH). Also called: Familial benign hypercalcemia. Identifiers: Orphanet 405, MedGen C1809471, MONDO:0018458.
Autosomal dominant hypocalcemia 1 (HYPOC1). Also called: HYPOCALCEMIA, FAMILIAL. Identifiers: MedGen C3715128, MONDO:0011013, OMIM 601198.

Submission:

Labcorp Genetics (formerly Invitae), Labcorp
Classification: Uncertain significance for Familial hypocalciuric hypercalcemia; Autosomal dominant hypocalcemia 1. Last evaluated: 2023-10-03. Review status: criteria provided, single submitter. Criteria: Invitae Variant Classification Sherloc (09022015). Collection method: clinical testing. Allele origin: germline.
Comment: This sequence change replaces aspartic acid, which is acidic and polar, with tyrosine, which is neutral and polar, at codon 1024 of the CASR protein (p.Asp1024Tyr). This variant is not present in population databases (gnomAD no frequency). This variant has not been reported in the literature in individuals affected with CASR-related conditions. ClinVar contains an entry for this variant (Variation ID: 1487611). An algorithm developed to predict the effect of missense changes on protein structure and function (PolyPhen-2) suggests that this variant is likely to be tolerated. In summary, the available evidence is currently insufficient to determine the role of this variant in disease. Therefore, it has been classified as a Variant of Uncertain Significance.